The following is an entry in ClinVar:

NM_003482.4(KMT2D):c.9574C>A (p.Pro3192Thr)

Gene: KMT2D (lysine methyltransferase 2D; minus strand). Cytogenetic location: 12q13.12.
Variant type: single nucleotide variant.
Coding change: c.9574C>A on transcript NM_003482.4 (MANE Select); coding-DNA position 9574, C replaced by A.
Protein change: p.Pro3192Thr; replaces proline 3192 with threonine.
Molecular consequence: missense variant.
Genome position (GRCh38, 1-based): chr12:49,037,782, G>T on the plus strand (C>A on the coding strand, the complement: KMT2D is on the minus strand). VCF-style: chr12-49037782-G-T. GRCh37 (hg19) VCF-style: chr12-49431565-G-T.
Other names: short protein forms P3192T.
Identifiers: ClinVar variation 2572849 (VCV002572849.1), dbSNP rs2120485580, ClinGen allele CA384737198.

ClinVar aggregate classification (germline): Uncertain significance (1 of 4 stars; one submission).

Allele frequency attached by ClinVar (database versions not stated): gnomAD exomes below 0.00001.
gnomAD v4.1: 1 of 1,596,320 alleles (0.000063%); highest among the groups gnomAD compares: Non-Finnish European, 0.000085%; no homozygotes.

Submission:

GeneDx
Classification: Uncertain significance. Last evaluated: 2023-01-10. Review status: criteria provided, single submitter. Criteria: GeneDx Variant Classification Process June 2021. Collection method: clinical testing. Allele origin: germline. Affected: yes.
Comment: Not observed at significant frequency in large population cohorts (gnomAD); In silico analysis supports that this missense variant does not alter protein structure/function; Has not been previously published as pathogenic or benign to our knowledge